The following is an entry in ClinVar:

ClinVar aggregate classification (germline): Uncertain significance (1 of 4 stars; one submission).

Allele frequency attached by ClinVar (database versions not stated): gnomAD exomes below 0.00001; gnomAD 0.00001; TOPMed 0.00002.
gnomAD v4.1: 3 of 1,613,940 alleles (0.00019%); highest among the groups gnomAD compares: African/African-American, 0.0027%; no homozygotes.

Submission:

Labcorp Genetics (formerly Invitae), Labcorp
Classification: Uncertain significance. Last evaluated: 2024-02-24. Review status: criteria provided, single submitter. Criteria: Invitae Variant Classification Sherloc (09022015). Collection method: clinical testing. Allele origin: germline.
Comment: This sequence change falls in intron 15 of the POP1 gene. It does not directly change the encoded amino acid sequence of the POP1 protein. This variant is not present in population databases (gnomAD no frequency). This variant has not been reported in the literature in individuals affected with POP1-related conditions. ClinVar contains an entry for this variant (Variation ID: 1422508). Algorithms developed to predict the effect of sequence changes on RNA splicing suggest that this variant may disrupt the consensus splice site. In summary, the available evidence is currently insufficient to determine the role of this variant in disease. Therefore, it has been classified as a Variant of Uncertain Significance.

NM_001145860.2(POP1):c.2421-11A>G

Gene: POP1 (POP1 ribonuclease P/MRP subunit; plus strand). Cytogenetic location: 8q22.2.
Variant type: single nucleotide variant.
Coding change: c.2421-11A>G on transcript NM_001145860.2 (MANE Select); 11 bases into the intron before coding-DNA position 2421, A replaced by G.
Molecular consequence: intron variant.
Genome position (GRCh38, 1-based): chr8:98,157,606, A>G. VCF-style: chr8-98157606-A-G. GRCh37 (hg19) VCF-style: chr8-99169834-A-G.
Other names: c.2421-11A>G (NM_001145861.2, NM_015029.3).
Identifiers: ClinVar variation 1422508 (VCV001422508.8), dbSNP rs1055406579, ClinGen allele CA182302865.
Genomic context (GRCh38, chr8:98,157,606, plus strand): 5'-TCTAATCTTCTGATTGCATATTTTTTTCTGGAACAAAATATCCTCAAACGTATGTCTCCA[A>G]CTTCATGTAGGAGTAGAAAATTACTGAAGCAACTGTCAGCCTGGTGTGGGCCCAGTTCTG-3'